The following is an entry in ClinVar:

NM_001012301.4(ARSI):c.611G>A (p.Ser204Asn)

Gene: ARSI (arylsulfatase family member I; minus strand). Cytogenetic location: 5q32.
Variant type: single nucleotide variant.
Coding change: c.611G>A on transcript NM_001012301.4 (MANE Select); coding-DNA position 611, G replaced by A.
Protein change: p.Ser204Asn; replaces serine 204 with asparagine.
Molecular consequence: missense variant.
Genome position (GRCh38, 1-based): chr5:150,298,313, C>T on the plus strand (G>A on the coding strand, the complement: ARSI is on the minus strand). VCF-style: chr5-150298313-C-T. GRCh37 (hg19) VCF-style: chr5-149677876-C-T.
Other names: short protein forms S204N.
Identifiers: ClinVar variation 3638771 (VCV003638771.2).

ClinVar aggregate classification (germline): Uncertain significance (1 of 4 stars; one submission).

Conditions:
Spastic paraplegia. Identifiers: MedGen C0037772, HP:0001258.

Submission:

Labcorp Genetics (formerly Invitae), Labcorp
Classification: Uncertain significance for Spastic paraplegia. Last evaluated: 2024-02-04. Review status: criteria provided, single submitter. Criteria: Invitae Variant Classification Sherloc (09022015). Collection method: clinical testing. Allele origin: germline.
Comment: This sequence change replaces serine, which is neutral and polar, with asparagine, which is neutral and polar, at codon 204 of the ARSI protein (p.Ser204Asn). This variant is not present in population databases (gnomAD no frequency). This variant has not been reported in the literature in individuals affected with ARSI-related conditions. Advanced modeling of protein sequence and biophysical properties (such as structural, functional, and spatial information, amino acid conservation, physicochemical variation, residue mobility, and thermodynamic stability) performed at Invitae indicates that this missense variant is not expected to disrupt ARSI protein function with a negative predictive value of 80%. In summary, the available evidence is currently insufficient to determine the role of this variant in disease. Therefore, it has been classified as a Variant of Uncertain Significance.